The following is an entry in ClinVar:

NM_024577.4(SH3TC2):c.1619G>A (p.Arg540Lys)

Gene: SH3TC2 (SH3 domain and tetratricopeptide repeats 2; minus strand). Cytogenetic location: 5q32.
Variant type: single nucleotide variant.
Coding change: c.1619G>A on transcript NM_024577.4 (MANE Select); coding-DNA position 1619, G replaced by A.
Protein change: p.Arg540Lys; replaces arginine 540 with lysine.
Molecular consequence: missense variant.
Genome position (GRCh38, 1-based): chr5:149,028,113, C>T on the plus strand (G>A on the coding strand, the complement: SH3TC2 is on the minus strand). VCF-style: chr5-149028113-C-T. GRCh37 (hg19) VCF-style: chr5-148407676-C-T.
Other names: short protein forms R540K.
Identifiers: ClinVar variation 2155946 (VCV002155946.2), dbSNP rs771873751, ClinGen allele CA3499147.

ClinVar aggregate classification (germline): Uncertain significance. Review status: criteria provided, multiple submitters, no conflicts (2 of 4 stars). 2 submissions from 2 submitters: Uncertain significance (2). Last evaluated 2026-02-03.

Conditions:
Charcot-Marie-Tooth disease type 4. Also called: Charcot-Marie-Tooth, Type 4; Charcot-Marie-Tooth disease, type IV. Identifiers: Orphanet 64749, MedGen C4082197, MONDO:0018995.

Allele frequency attached by ClinVar (database versions not stated): ExAC 0.00001; gnomAD exomes 0.00001; TOPMed 0.00002.
gnomAD v4.1: 6 of 1,614,112 alleles (0.00037%); highest among the groups gnomAD compares: Admixed American, 0.0033%; no homozygotes.

Submissions (2):

Women's Health and Genetics/Laboratory Corporation of America, LabCorp
Classification: Uncertain significance. Last evaluated: 2026-02-03. Review status: criteria provided, single submitter. Criteria: LabCorp Variant Classification Summary - May 2015. Collection method: clinical testing. Allele origin: germline.
Comment: Variant summary: SH3TC2 c.1619G>A (p.Arg540Lys) results in a conservative amino acid change in the encoded protein sequence. Algorithms developed to predict the effect of missense changes on protein structure and function all suggest that this variant is likely to be tolerated. The variant allele was found at a frequency of 1.6e-05 in 251146 control chromosomes. The available data on variant occurrences in the general population are insufficient to allow any conclusion about variant significance. To our knowledge, no occurrence of c.1619G>A in individuals affected with SH3TC2-related conditions and no experimental evidence demonstrating its impact on protein function have been reported. ClinVar contains an entry for this variant (Variation ID: 2155946). Based on the evidence outlined above, the variant was classified as uncertain significance.

Labcorp Genetics (formerly Invitae), Labcorp
Classification: Uncertain significance for Charcot-Marie-Tooth disease type 4. Last evaluated: 2022-08-21. Review status: criteria provided, single submitter. Criteria: Invitae Variant Classification Sherloc (09022015). Collection method: clinical testing. Allele origin: germline.
Comment: This sequence change replaces arginine, which is basic and polar, with lysine, which is basic and polar, at codon 540 of the SH3TC2 protein (p.Arg540Lys). This variant is present in population databases (rs771873751, gnomAD 0.009%). This variant has not been reported in the literature in individuals affected with SH3TC2-related conditions. Advanced modeling of protein sequence and biophysical properties (such as structural, functional, and spatial information, amino acid conservation, physicochemical variation, residue mobility, and thermodynamic stability) performed at Invitae indicates that this missense variant is not expected to disrupt SH3TC2 protein function. In summary, the available evidence is currently insufficient to determine the role of this variant in disease. Therefore, it has been classified as a Variant of Uncertain Significance.